The following is an entry in ClinVar:

NM_001003841.3(SLC6A19):c.71T>C (p.Ile24Thr)

Gene: SLC6A19 (solute carrier family 6 member 19; plus strand). Cytogenetic location: 5p15.33.
Variant type: single nucleotide variant.
Coding change: c.71T>C on transcript NM_001003841.3 (MANE Select); coding-DNA position 71, T replaced by C.
Protein change: p.Ile24Thr; replaces isoleucine 24 with threonine.
Molecular consequence: missense variant.
Genome position (GRCh38, 1-based): chr5:1,201,721, T>C. VCF-style: chr5-1201721-T-C. GRCh37 (hg19) VCF-style: chr5-1201836-T-C.
Other names: short protein forms I24T.
Identifiers: ClinVar variation 2030808 (VCV002030808.4), dbSNP rs772851309, ClinGen allele CA3182552.
Genomic context (GRCh38, chr5:1,201,721, plus strand): 5'-TCGTGCTGCCCAACCCCGGCCTAGACGCCCGGATCCCGTCCCTGGCTGAGCTGGAGACCA[T>C]CGAGCAGGAGGAGGCCAGCTCCCGGCCGAAGTGGGACAACAAGGCGCAGTACATGCTCAC-3'
Protein context (NP_001003841.1, residues 14-34): RIPSLAELET[Ile24Thr]EQEEASSRPK

ClinVar aggregate classification (germline): Uncertain significance (1 of 4 stars; one submission).

Allele frequency attached by ClinVar (database versions not stated): gnomAD exomes below 0.00001; TOPMed below 0.00001; ExAC 0.00001.
gnomAD v4.1: 1 of 1,612,424 alleles (0.000062%); highest among the groups gnomAD compares: Admixed American, 0.0017%; no homozygotes.

Submission:

Labcorp Genetics (formerly Invitae), Labcorp
Classification: Uncertain significance. Last evaluated: 2022-02-25. Review status: criteria provided, single submitter. Criteria: Invitae Variant Classification Sherloc (09022015). Collection method: clinical testing. Allele origin: germline.
Comment: Advanced modeling of protein sequence and biophysical properties (such as structural, functional, and spatial information, amino acid conservation, physicochemical variation, residue mobility, and thermodynamic stability) performed at Invitae indicates that this missense variant is not expected to disrupt SLC6A19 protein function. This sequence change replaces isoleucine, which is neutral and non-polar, with threonine, which is neutral and polar, at codon 24 of the SLC6A19 protein (p.Ile24Thr). This variant is present in population databases (rs772851309, gnomAD 0.003%). This variant has not been reported in the literature in individuals affected with SLC6A19-related conditions. In summary, the available evidence is currently insufficient to determine the role of this variant in disease. Therefore, it has been classified as a Variant of Uncertain Significance.